The following is an entry in ClinVar:

ClinVar aggregate classification (germline): Uncertain significance. Review status: criteria provided, multiple submitters, no conflicts (2 of 4 stars). 2 submissions from 2 submitters: Uncertain significance (2). Last evaluated 2026-08-18.

Conditions:
Inborn genetic diseases. Identifiers: MedGen C0950123, MeSH D030342.

Allele frequency attached by ClinVar (database versions not stated): TOPMed 0.00002; gnomAD 0.00001.
gnomAD v4.1: 4 of 1,613,984 alleles (0.00025%); highest among the groups gnomAD compares: Non-Finnish European, 0.00034%; no homozygotes.

Submissions (2):

Ambry Genetics
Classification: Uncertain significance for Inborn genetic diseases. Last evaluated: 2026-08-18. Review status: criteria provided, single submitter. Criteria: Ambry Variant Classification Scheme 2023. Collection method: clinical testing. Allele origin: germline.
Comment: The c.44+4A>G intronic alteration consists of a A to G substitution 4 nucleotides after exon 1 of the POLR3A gene. Based on data from gnomAD, the G allele has an overall frequency of <0.001% (1/251452) total alleles studied. The highest observed frequency was 0.001% (1/113752) of European (non-Finnish) alleles. Based on insufficient or conflicting evidence, the clinical significance of this alteration remains unclear.

Labcorp Genetics (formerly Invitae), Labcorp
Classification: Uncertain significance. Last evaluated: 2022-05-20. Review status: criteria provided, single submitter. Criteria: Invitae Variant Classification Sherloc (09022015). Collection method: clinical testing. Allele origin: germline.
Comment: In summary, the available evidence is currently insufficient to determine the role of this variant in disease. Therefore, it has been classified as a Variant of Uncertain Significance. Variants that disrupt the consensus splice site are a relatively common cause of aberrant splicing (PMID: 17576681, 9536098). Algorithms developed to predict the effect of sequence changes on RNA splicing suggest that this variant may create or strengthen a splice site. This variant has not been reported in the literature in individuals affected with POLR3A-related conditions. This variant is present in population databases (no rsID available, gnomAD 0.0009%). This sequence change falls in intron 1 of the POLR3A gene. It does not directly change the encoded amino acid sequence of the POLR3A protein. It affects a nucleotide within the consensus splice site.

Literature cited by the submitters: PubMed 17576681 (cited by Labcorp Genetics (formerly Invitae), Labcorp); PubMed 9536098 (cited by Labcorp Genetics (formerly Invitae), Labcorp).

NM_007055.4(POLR3A):c.44+4A>G

Gene: POLR3A (RNA polymerase III subunit A; minus strand). Cytogenetic location: 10q22.3.
Variant type: single nucleotide variant.
Coding change: c.44+4A>G on transcript NM_007055.4 (MANE Select); 4 bases into the intron after coding-DNA position 44, A replaced by G.
Molecular consequence: intron variant.
Genome position (GRCh38, 1-based): chr10:78,029,360, T>C on the plus strand (A>G on the coding strand, the complement: POLR3A is on the minus strand). VCF-style: chr10-78029360-T-C. GRCh37 (hg19) VCF-style: chr10-79789118-T-C.
Other names: c.44+4A>G (NM_007055.3).
Identifiers: ClinVar variation 1934582 (VCV001934582.6), dbSNP rs1316497413, ClinGen allele CA594439049.